The following is an entry in ClinVar:

ClinVar aggregate classification (germline): Uncertain significance (1 of 4 stars; one submission).

Conditions:
ALMS1-related disorder. Also called: ALMS1-related condition.

Submission:

PreventionGenetics, part of Exact Sciences
Classification: Uncertain significance for ALMS1-related condition. Last evaluated: 2024-10-26. Review status: criteria provided, single submitter. Criteria: ACMG Guidelines, 2015. Collection method: clinical testing. Allele origin: germline.
Comment: The ALMS1 c.7385A>G variant is predicted to result in the amino acid substitution p.Glu2462Gly. To our knowledge, this variant has not been reported in the literature. This variant is reported in 0.0065% of alleles in individuals of African descent in gnomAD. At this time, the clinical significance of this variant is uncertain due to the absence of conclusive functional and genetic evidence.

NM_001378454.1(ALMS1):c.7382A>G (p.Glu2461Gly)

Gene: ALMS1 (ALMS1 centrosome and basal body associated protein; plus strand). Cytogenetic location: 2p13.1.
Variant type: single nucleotide variant.
Coding change: c.7382A>G on transcript NM_001378454.1 (MANE Select); coding-DNA position 7382, A replaced by G.
Protein change: p.Glu2461Gly; replaces glutamic acid 2461 with glycine.
Molecular consequence: missense variant.
Genome position (GRCh38, 1-based): chr2:73,453,909, A>G. VCF-style: chr2-73453909-A-G. GRCh37 (hg19) VCF-style: chr2-73681036-A-G.
Other names: c.7385A>G, p.Glu2462Gly (NM_015120.4); short protein forms E2461G, E2462G.
Identifiers: ClinVar variation 4989503 (VCV004989503.1).